The following is an entry in ClinVar:

ClinVar aggregate classification (germline): Likely benign. Review status: criteria provided, multiple submitters, no conflicts (2 of 4 stars). 2 submissions from 2 submitters: Likely benign (2). Last evaluated 2018-06-14.

Allele frequency attached by ClinVar (database versions not stated): gnomAD exomes 0.00055; gnomAD 0.00480 and 0.00504; TOPMed 0.00544; 1000 Genomes Project 30x 0.00687; 1000 Genomes Project 0.00699.
gnomAD v4.1: 980 of 574,484 alleles (0.17%); highest among the groups gnomAD compares: African/African-American, 1.6%; 7 homozygotes.

Submissions (2):

GeneDx
Classification: Likely benign. Last evaluated: 2018-06-14. Review status: criteria provided, single submitter. Criteria: GeneDx Variant Classification (06012015). Collection method: clinical testing. Allele origin: germline. Affected: yes.
Comment: This variant is considered likely benign or benign based on one or more of the following criteria: it is a conservative change, it occurs at a poorly conserved position in the protein, it is predicted to be benign by multiple in silico algorithms, and/or has population frequency not consistent with disease.

Breakthrough Genomics
Classification: Likely benign. Review status: criteria provided, single submitter. Criteria: ACMG Guidelines, 2015. Collection method: not provided. Allele origin: germline. Inheritance: Autosomal recessive inheritance. Affected: yes.

NM_002474.3(MYH11):c.5172-255G>A

Genes: MYH11 (myosin heavy chain 11; minus strand), NDE1 (nudE neurodevelopment protein 1; plus strand). Cytogenetic location: 16p13.11.
Variant type: single nucleotide variant.
Coding change: c.5172-255G>A on transcript NM_002474.3 (MANE Select); 255 bases into the intron before coding-DNA position 5172, G replaced by A.
Molecular consequence: intron variant.
Genome position (GRCh38, 1-based): chr16:15,718,693, C>T on the plus strand (G>A on the coding strand, the complement: MYH11 is on the minus strand). VCF-style: chr16-15718693-C-T. GRCh37 (hg19) VCF-style: chr16-15812550-C-T.
Other names: c.948-5498C>T (NM_001143979.2, NM_017668.3); c.5172-255G>A (NM_022844.3); c.5193-255G>A (NM_001040114.2, NM_001040113.2).
Identifiers: ClinVar variation 672951 (VCV000672951.2), dbSNP rs148305743, ClinGen allele CA278596381.